The following is an entry in ClinVar:

NM_001089.3(ABCA3):c.4966G>A (p.Asp1656Asn)

Gene: ABCA3 (ATP binding cassette subfamily A member 3; minus strand). Cytogenetic location: 16p13.3.
Variant type: single nucleotide variant.
Coding change: c.4966G>A on transcript NM_001089.3 (MANE Select); coding-DNA position 4966, G replaced by A.
Protein change: p.Asp1656Asn; replaces aspartic acid 1656 with asparagine.
Molecular consequence: missense variant.
Genome position (GRCh38, 1-based): chr16:2,277,614, C>T on the plus strand (G>A on the coding strand, the complement: ABCA3 is on the minus strand). VCF-style: chr16-2277614-C-T. GRCh37 (hg19) VCF-style: chr16-2327615-C-T.
Other names: short protein forms D1656N.
Identifiers: ClinVar variation 1978419 (VCV001978419.4), dbSNP rs2141687194, ClinGen allele CA394302700.

ClinVar aggregate classification (germline): Uncertain significance (1 of 4 stars; one submission).

Allele frequency attached by ClinVar (database versions not stated): gnomAD exomes below 0.00001.
gnomAD v4.1: 2 of 1,613,136 alleles (0.00012%); highest among the groups gnomAD compares: Non-Finnish European, 0.000085%; no homozygotes.

Submission:

Labcorp Genetics (formerly Invitae), Labcorp
Classification: Uncertain significance. Last evaluated: 2024-11-11. Review status: criteria provided, single submitter. Criteria: Invitae Variant Classification Sherloc (09022015). Collection method: clinical testing. Allele origin: germline.
Comment: This sequence change replaces aspartic acid, which is acidic and polar, with asparagine, which is neutral and polar, at codon 1656 of the ABCA3 protein (p.Asp1656Asn). This variant is not present in population databases (gnomAD no frequency). This variant has not been reported in the literature in individuals affected with ABCA3-related conditions. ClinVar contains an entry for this variant (Variation ID: 1978419). Invitae Evidence Modeling of protein sequence and biophysical properties (such as structural, functional, and spatial information, amino acid conservation, physicochemical variation, residue mobility, and thermodynamic stability) indicates that this missense variant is not expected to disrupt ABCA3 protein function with a negative predictive value of 80%. In summary, the available evidence is currently insufficient to determine the role of this variant in disease. Therefore, it has been classified as a Variant of Uncertain Significance.